The following is an entry in ClinVar:

NM_002432.3(MNDA):c.827G>T (p.Gly276Val)

Gene: MNDA (myeloid cell nuclear differentiation antigen; plus strand). Cytogenetic location: 1q23.1.
Variant type: single nucleotide variant.
Coding change: c.827G>T on transcript NM_002432.3 (MANE Select); coding-DNA position 827, G replaced by T.
Protein change: p.Gly276Val; replaces glycine 276 with valine.
Molecular consequence: missense variant.
Genome position (GRCh38, 1-based): chr1:158,845,843, G>T. VCF-style: chr1-158845843-G-T. GRCh37 (hg19) VCF-style: chr1-158815633-G-T.
Other names: short protein forms G276V.
Identifiers: ClinVar variation 1762725 (VCV001762725.3), dbSNP rs773707693, ClinGen allele CA1185715.

ClinVar aggregate classification (germline): Uncertain significance (1 of 4 stars; one submission).

Allele frequency attached by ClinVar (database versions not stated): ExAC 0.00001; gnomAD 0.00001; gnomAD exomes 0.00001.
gnomAD v4.1: 17 of 1,614,030 alleles (0.0011%); highest among the groups gnomAD compares: Non-Finnish European, 0.0014%; no homozygotes.

Submission:

Ambry Genetics
Classification: Uncertain significance. Last evaluated: 2023-08-29. Review status: criteria provided, single submitter. Criteria: Ambry Variant Classification Scheme 2023. Collection method: clinical testing. Allele origin: germline.
Comment: The p.G276V variant (also known as c.827G>T), located in coding exon 4 of the MNDA gene, results from a G to T substitution at nucleotide position 827. The glycine at codon 276 is replaced by valine, an amino acid with dissimilar properties. This amino acid position is conserved. In addition, this alteration is predicted to be tolerated by in silico analysis. Since supporting evidence is limited at this time, the clinical significance of this alteration remains unclear.